The following is an entry in ClinVar:

NM_014946.4(SPAST):c.19C>A (p.Arg7=)

Gene: SPAST (spastin; plus strand). Cytogenetic location: 2p22.3.
Variant type: single nucleotide variant.
Coding change: c.19C>A on transcript NM_014946.4 (MANE Select); coding-DNA position 19, C replaced by A.
Protein change: p.Arg7=; no amino-acid change (arginine 7 retained).
Molecular consequence: synonymous variant.
Genome position (GRCh38, 1-based): chr2:32,063,850, C>A. VCF-style: chr2-32063850-C-A. GRCh37 (hg19) VCF-style: chr2-32288919-C-A.
Other names: c.19C>A, p.Arg7= (NM_001363823.2, NM_001363875.2, NM_001377959.1 and 1 more transcripts).
Identifiers: ClinVar variation 392495 (VCV000392495.9), dbSNP rs779449573, ClinGen allele CA1600454.

ClinVar aggregate classification (germline): Conflicting classifications of pathogenicity. Review status: criteria provided, conflicting classifications (1 of 4 stars). 2 submissions from 2 submitters: Uncertain significance (1); Likely benign (1). Last evaluated 2025-05-05.

Conditions:
Hereditary spastic paraplegia 4. Also called: Spastic Paraplegia 4; Spastic paraplegia 4, autosomal dominant; Familial spastic paraplegia autosomal dominant 2. Identifiers: Orphanet 100985, MedGen C1866855, MONDO:0008438, OMIM 182601.

Allele frequency attached by ClinVar (database versions not stated): gnomAD exomes below 0.00001; ExAC 0.00003.
gnomAD v4.1: 4 of 1,581,046 alleles (0.00025%); highest among the groups gnomAD compares: Non-Finnish European, 0.00034%; no homozygotes.

Submissions (2):

Labcorp Genetics (formerly Invitae), Labcorp
Classification: Likely benign for Hereditary spastic paraplegia 4. Last evaluated: 2025-05-05. Review status: criteria provided, single submitter. Criteria: Invitae Variant Classification Sherloc (09022015). Collection method: clinical testing. Allele origin: germline.

GeneDx
Classification: Uncertain significance. Last evaluated: 2017-01-12. Review status: criteria provided, single submitter. Criteria: GeneDx Variant Classification (06012015). Collection method: clinical testing. Allele origin: germline. Affected: yes.
Comment: The c.19 C>A variant has not been published as a pathogenic variant, nor has it been reported as a benign variant to our knowledge. The c.19 C>A variant was not observed in approximately 6500 individuals of European and African American ancestry in the NHLBI Exome Sequencing Project, indicating it is not a common benign variant in these populations. This substitution occurs at a position that is conserved in mammals. In-silico splice prediction models were uninformative as to whether c.19 C>A is expected to lead to abnormal gene splicing. Furthermore, in the absence of RNA/functional studies, the actual effect of this sequence change in this individual is unknown. In summary, based on the currently available information, it is unclear whether this variant is a pathogenic variant or a rare benign variant.